The following is an entry in ClinVar:

ClinVar aggregate classification (germline): Likely benign (1 of 4 stars; one submission).

Allele frequency attached by ClinVar (database versions not stated): TOPMed 0.00001 and below 0.00001; gnomAD exomes below 0.00001.
gnomAD v4.1: 1 of 1,614,072 alleles (0.000062%); highest among the groups gnomAD compares: Non-Finnish European, 0.000085%; no homozygotes.

Submission:

Laboratory for Molecular Medicine, Mass General Brigham Personalized Medicine
Classification: Likely benign. Last evaluated: 2014-06-19. Review status: criteria provided, single submitter. Criteria: LMM Criteria. Collection method: clinical testing. Allele origin: germline. Observed: 1 variant allele.
Comment: Arg63Arg in exon 5 of DTNA: This variant is not expected to have clinical signif icance because it does not alter an amino acid residue and is not located within the splice consensus sequence.

NM_001386795.1(DTNA):c.189G>A (p.Arg63=)

Gene: DTNA (dystrobrevin alpha; plus strand). Cytogenetic location: 18q12.1.
Variant type: single nucleotide variant.
Coding change: c.189G>A on transcript NM_001386795.1 (MANE Select); coding-DNA position 189, G replaced by A.
Protein change: p.Arg63=; no amino-acid change (arginine 63 retained).
Molecular consequence: synonymous variant.
Genome position (GRCh38, 1-based): chr18:34,794,077, G>A. VCF-style: chr18-34794077-G-A. GRCh37 (hg19) VCF-style: chr18-32374041-G-A.
Other names: c.189G>A, p.Arg63= (NM_001128175.2, NM_001198938.2, NM_001198939.2 and 35 more transcripts).
Identifiers: ClinVar variation 179761 (VCV000179761.4), dbSNP rs727505106, ClinGen allele CA185083.